The following is an entry in ClinVar:

NM_004855.5(PIGB):c.1652A>C (p.Lys551Thr)

Genes: CCPG1 (cell cycle progression 1; minus strand), DNAAF4-CCPG1 (DNAAF4-CCPG1 readthrough (NMD candidate); minus strand), PIGB (phosphatidylinositol glycan anchor biosynthesis class B; plus strand). Cytogenetic location: 15q21.3.
Variant type: single nucleotide variant.
Coding change: c.1652A>C on transcript NM_004855.5 (MANE Select); coding-DNA position 1652, A replaced by C.
Protein change: p.Lys551Thr; replaces lysine 551 with threonine.
Molecular consequence: missense variant. On other transcripts: non-coding transcript variant (1), 3 prime UTR variant (4).
Genome position (GRCh38, 1-based): chr15:55,355,419, A>C. VCF-style: chr15-55355419-A-C. GRCh37 (hg19) VCF-style: chr15-55647617-A-C.
Other names: c.*801T>G (NM_001204450.2, NM_001204451.2); c.*4080T>G (NM_004748.6, NM_020739.5); short protein forms K551T.
Identifiers: ClinVar variation 785488 (VCV000785488.12), dbSNP rs2444042, ClinGen allele CA7574147.
Genomic context (GRCh38, chr15:55,355,419, plus strand): 5'-GTCGAATTGGAAGTCACATATATGTCTATGAACGGAAGTTAAAAGGGAAATTCAACATGA[A>C]GATGAAATTCTGAACTTTCCTAGATAAATTAACATTGCTGGGTGGAAATATTCAGATGCT-3'
Protein context (NP_004846.4, residues 541-554): ERKLKGKFNM[Lys551Thr]MKF

ClinVar aggregate classification (germline): Benign. Review status: criteria provided, multiple submitters, no conflicts (2 of 4 stars). 3 submissions from 3 submitters: Benign (2). 1 of the submissions does not count toward it. Last evaluated 2026-01-31.

Conditions:
PIGB-related disorder. Also called: PIGB-related condition.

Allele frequency attached by ClinVar (database versions not stated): gnomAD exomes 0.00182 and 0.00492; ExAC 0.00601; 1000 Genomes Project 0.01917; gnomAD 0.02006 and 0.02130; ESP Exome Variant Server 0.02048; 1000 Genomes Project 30x 0.02092; TOPMed 0.02262.
gnomAD v4.1: 5,828 of 1,607,172 alleles (0.36%); highest among the groups gnomAD compares: African/African-American, 6.8%; 178 homozygotes.

Submissions (3):

Labcorp Genetics (formerly Invitae), Labcorp
Classification: Benign. Last evaluated: 2026-01-31. Review status: criteria provided, single submitter. Criteria: Invitae Variant Classification Sherloc (09022015). Collection method: clinical testing. Allele origin: germline.

Breakthrough Genomics
Classification: Benign. Review status: criteria provided, single submitter. Criteria: ACMG Guidelines, 2015. Collection method: not provided. Allele origin: germline. Inheritance: Autosomal recessive inheritance. Affected: yes.

PreventionGenetics, part of Exact Sciences
Classification: Benign for PIGB-related condition. Last evaluated: 2019-12-12. Review status: no assertion criteria provided. Collection method: clinical testing. Allele origin: germline. Not counted in ClinVar's aggregate classification.
Comment: This variant is classified as benign based on ACMG/AMP sequence variant interpretation guidelines (Richards et al. 2015 PMID: 25741868, with internal and published modifications).